The following is an entry in ClinVar:

ClinVar aggregate classification (germline): Uncertain significance. Review status: criteria provided, multiple submitters, no conflicts (2 of 4 stars). 3 submissions from 3 submitters: Uncertain significance (3). Last evaluated 2024-03-19.

Conditions:
Arrhythmogenic right ventricular dysplasia 8 (ARVD8). Also called: Arrhythmogenic Right Ventricular Dysplasia/Cardiomyopathy 8; ARRHYTHMOGENIC RIGHT VENTRICULAR DYSPLASIA, FAMILIAL, 8; ARRHYTHMOGENIC RIGHT VENTRICULAR CARDIOMYOPATHY 8. Identifiers: MedGen C1843896, MONDO:0011831, OMIM 607450.
Arrhythmogenic cardiomyopathy with wooly hair and keratoderma. Also called: Dilated cardiomyopathy with woolly hair and keratoderma; Arrhythmogenic cardiomyopathy with woolly hair and keratoderma; PALMOPLANTAR KERATODERMA WITH LEFT VENTRICULAR CARDIOMYOPATHY AND WOOLLY HAIR; Carvajal syndrome. Identifiers: Orphanet 65282, MedGen C1854063, MONDO:0011581, OMIM 605676.

Submissions (3):

Labcorp Genetics (formerly Invitae), Labcorp
Classification: Uncertain significance for Arrhythmogenic cardiomyopathy with wooly hair and keratoderma; Arrhythmogenic right ventricular dysplasia 8. Last evaluated: 2024-03-19. Review status: criteria provided, single submitter. Criteria: Invitae Variant Classification Sherloc (09022015). Collection method: clinical testing. Allele origin: germline.
Comment: This sequence change creates a premature translational stop signal (p.Ser2859Leufs*6) in the DSP gene. While this is not anticipated to result in nonsense mediated decay, it is expected to disrupt the last 13 amino acid(s) of the DSP protein. This variant is not present in population databases (gnomAD no frequency). This premature translational stop signal has been observed in individual(s) with clinical features of DSP-related conditions (PMID: 32164419; Invitae). ClinVar contains an entry for this variant (Variation ID: 179504). In summary, the available evidence is currently insufficient to determine the role of this variant in disease. Therefore, it has been classified as a Variant of Uncertain Significance.

All of Us Research Program, National Institutes of Health
Classification: Uncertain significance for Arrhythmogenic cardiomyopathy with wooly hair and keratoderma. Last evaluated: 2023-04-15. Review status: criteria provided, single submitter. Criteria: ACMG Guidelines, 2015. Collection method: clinical testing. Allele origin: germline. Inheritance: Autosomal dominant inheritance. Observed: 1 variant allele, 1 heterozygote.
Comment: This study involves interpretation of variants in research participants for the purpose of population health screening. Participant phenotype was not available at the time of variant classification. Additional details can be found in publication PMID: 35346344, PMCID: PMC8962531

Laboratory for Molecular Medicine, Mass General Brigham Personalized Medicine
Classification: Uncertain significance. Last evaluated: 2014-02-17. Review status: criteria provided, single submitter. Criteria: LMM Criteria. Collection method: clinical testing. Allele origin: germline. Observed: 1 variant allele.
Comment: Variant classified as Uncertain Significance - Favor Pathogenic. The Ser2859fs v ariant in DSP has not been reported in individuals with cardiomyopathy or in lar ge population studies. This frameshift variant is predicted to alter the protein ?s amino acid sequence beginning at position 2859 and leads to a premature termi nation codon 6 amino acids downstream, resulting in a loss of the last 6 amino a cids of the DSP protein and may not. It is unclear if this variant would undergo nonsense mediated decay and cause a loss of function variant. However, homozygo us variants that truncate the tail of the DSP protein have been reported in indi viduals with Carvajal syndrome and/or acantholytic epidermolysis bullosa (Cheong 2005, Jonkman 2005, Rasmussen 2013). Although this data supports that the Ser28 59fs variant may be pathogenic in homozygous configuration, additional studies a re needed to fully assess its clinical significance.

Literature cited by the submitters: PubMed 32164419 (cited by Labcorp Genetics (formerly Invitae), Labcorp); PubMed 16175511 (cited by Laboratory for Molecular Medicine, Mass General Brigham Personalized Medicine); PubMed 15807686 (cited by Laboratory for Molecular Medicine, Mass General Brigham Personalized Medicine); PubMed 23137101 (cited by Laboratory for Molecular Medicine, Mass General Brigham Personalized Medicine).

NM_004415.4(DSP):c.8576_8577del (p.Ser2859fs)

Gene: DSP (desmoplakin; plus strand). Cytogenetic location: 6p24.3.
Variant type: Microsatellite.
Coding change: c.8576_8577del on transcript NM_004415.4 (MANE Select); coding-DNA positions 8576 to 8577, 2 bases deleted (CT; older notation c.8576_8577delCT).
Protein change: p.Ser2859fs; shifts the reading frame from serine 2859.
Molecular consequence: frameshift variant.
Genome position (GRCh38, 1-based): chr6:7,585,838-7,585,839, CT deleted; deleting any 2 consecutive bases within chr6:7,585,836-7,585,839 gives the same sequence; the c. name uses the placement nearest the transcript's 3' end. VCF-style (leftmost placement, unchanged base first): chr6-7585835-ACT-A. GRCh37 (hg19) VCF-style: chr6-7586068-ACT-A.
Other names: c.6779_6780del, p.Ser2260fs (NM_001008844.3); c.7247_7248del, p.Ser2416fs (NM_001319034.2); short protein forms S2260fs, S2416fs, S2859fs.
Identifiers: ClinVar variation 179504 (VCV000179504.7), dbSNP rs727504909, ClinGen allele CA007739.